The following is an entry in ClinVar:

ClinVar aggregate classification (germline): Likely benign (0 of 4 stars; one submission).

Conditions:
TMEM237-related disorder. Also called: TMEM237-related condition.

Submission:

PreventionGenetics, part of Exact Sciences
Classification: Likely benign for TMEM237-related condition. Last evaluated: 2019-04-24. Review status: no assertion criteria provided. Collection method: clinical testing. Allele origin: germline.
Comment: This variant is classified as likely benign based on ACMG/AMP sequence variant interpretation guidelines (Richards et al. 2015 PMID: 25741868, with internal and published modifications).

NM_001044385.3(TMEM237):c.42+756C>G

Genes: TMEM237 (transmembrane protein 237; minus strand), LOC129935416 (ATAC-STARR-seq lymphoblastoid silent region 12234; plus strand). Cytogenetic location: 2q33.1.
Variant type: single nucleotide variant.
Coding change: c.42+756C>G on transcript NM_001044385.3 (MANE Select); 756 bases into the intron after coding-DNA position 42, C replaced by G.
Molecular consequence: intron variant.
Genome position (GRCh38, 1-based): chr2:201,642,603, G>C on the plus strand (C>G on the coding strand, the complement: TMEM237 is on the minus strand). VCF-style: chr2-201642603-G-C. GRCh37 (hg19) VCF-style: chr2-202507326-G-C.
Other names: c.18+6C>G (NM_152388.4).
Identifiers: ClinVar variation 3058647 (VCV003058647.2), dbSNP rs1411776340, ClinGen allele CA763371896.